The following is an entry in ClinVar:

NM_053025.4(MYLK):c.3574G>A (p.Ala1192Thr)

Gene: MYLK (myosin light chain kinase; minus strand). Cytogenetic location: 3q21.1.
Variant type: single nucleotide variant.
Coding change: c.3574G>A on transcript NM_053025.4 (MANE Select); coding-DNA position 3574, G replaced by A.
Protein change: p.Ala1192Thr; replaces alanine 1192 with threonine.
Molecular consequence: missense variant.
Genome position (GRCh38, 1-based): chr3:123,682,302, C>T on the plus strand (G>A on the coding strand, the complement: MYLK is on the minus strand). VCF-style: chr3-123682302-C-T. GRCh37 (hg19) VCF-style: chr3-123401149-C-T.
Other names: c.3046G>A, p.Ala1016Thr (NM_001321309.2); c.3367G>A, p.Ala1123Thr (NM_053026.4, NM_053028.4); c.3574G>A, p.Ala1192Thr (NM_053027.4); short protein forms A1016T, A1123T, A1192T.
Identifiers: ClinVar variation 3655651 (VCV003655651.2).
Genomic context (GRCh38, chr3:123,682,302, plus strand): 5'-GAGGAAGAGAGCTCTTGGGCCTCCGGGATTTCATCTCTGGGGCCTTGGTGTTCTCACTGG[C>T]TGGAGCATCTGGAATGAAACAGGTAACAATAAATGTTAGCAGCTGCTGAGGAAATGAGCA-3'
Protein context (NP_444253.3, residues 1182-1202): SCQVTVDDAP[Ala1192Thr]SENTKAPEMK

ClinVar aggregate classification (germline): Uncertain significance (1 of 4 stars; one submission).

Conditions:
Aortic aneurysm, familial thoracic 7 (AAT7). Also called: AORTIC DISSECTION, FAMILIAL, WITH OR WITHOUT AORTIC ANEURYSM. Identifiers: MedGen C3151077, MONDO:0013418, OMIM 613780.

Submission:

Labcorp Genetics (formerly Invitae), Labcorp
Classification: Uncertain significance for Aortic aneurysm, familial thoracic 7. Last evaluated: 2024-06-05. Review status: criteria provided, single submitter. Criteria: Invitae Variant Classification Sherloc (09022015). Collection method: clinical testing. Allele origin: germline.
Comment: This sequence change replaces alanine, which is neutral and non-polar, with threonine, which is neutral and polar, at codon 1192 of the MYLK protein (p.Ala1192Thr). This variant is not present in population databases (gnomAD no frequency). This variant has not been reported in the literature in individuals affected with MYLK-related conditions. Advanced modeling of protein sequence and biophysical properties (such as structural, functional, and spatial information, amino acid conservation, physicochemical variation, residue mobility, and thermodynamic stability) performed at Invitae indicates that this missense variant is not expected to disrupt MYLK protein function with a negative predictive value of 80%. In summary, the available evidence is currently insufficient to determine the role of this variant in disease. Therefore, it has been classified as a Variant of Uncertain Significance.